The following is an entry in ClinVar:

NM_000666.3(ACY1):c.521A>G (p.Asp174Gly)

Genes: ABHD14A-ACY1 (ABHD14A-ACY1 readthrough; plus strand), ACY1 (aminoacylase 1; plus strand). Cytogenetic location: 3p21.2.
Variant type: single nucleotide variant.
Coding change: c.521A>G on transcript NM_000666.3 (MANE Select); coding-DNA position 521, A replaced by G.
Protein change: p.Asp174Gly; replaces aspartic acid 174 with glycine.
Molecular consequence: missense variant. On other transcripts: intron variant (1).
Genome position (GRCh38, 1-based): chr3:51,986,499, A>G. VCF-style: chr3-51986499-A-G. GRCh37 (hg19) VCF-style: chr3-52020515-A-G.
Other names: c.791A>G, p.Asp264Gly (NM_001316331.2); c.521A>G, p.Asp174Gly (NM_001198895.2, NM_001198897.2); c.416A>G, p.Asp139Gly (NM_001198898.2); c.311-106A>G (NM_001198896.2); short protein forms D139G, D174G, D264G.
Identifiers: ClinVar variation 3033068 (VCV003033068.2), dbSNP rs200314495, ClinGen allele CA2428512.

ClinVar aggregate classification (germline): Uncertain significance (0 of 4 stars; one submission).

Conditions:
ACY1-related disorder. Also called: ACY1-related condition.

Allele frequency attached by ClinVar (database versions not stated): ExAC 0.00001; gnomAD 0.00001; TOPMed 0.00002.

Submission:

PreventionGenetics, part of Exact Sciences
Classification: Uncertain significance for ACY1-related condition. Last evaluated: 2023-12-27. Review status: no assertion criteria provided. Collection method: clinical testing. Allele origin: germline.
Comment: The ACY1 c.521A>G variant is predicted to result in the amino acid substitution p.Asp174Gly. To our knowledge, this variant has not been reported in the literature. This variant is reported in 0.0040% of alleles in individuals of African descent in gnomAD. At this time, the clinical significance of this variant is uncertain due to the absence of conclusive functional and genetic evidence.